The following is an entry in ClinVar:

ClinVar aggregate classification (germline): Benign/Likely benign. Review status: criteria provided, multiple submitters, no conflicts (2 of 4 stars). 9 submissions from 9 submitters: Benign (6); Likely benign (1). 2 of the submissions do not count toward it. Last evaluated 2026-02-01.

Conditions:
Left ventricular noncompaction 8 (LVNC8). Identifiers: Orphanet 154, Orphanet 54260, MedGen C3809288, MONDO:0014152, OMIM 615373.

Allele frequency attached by ClinVar (database versions not stated): gnomAD exomes 0.00061 and 0.00150; ExAC 0.00190; 1000 Genomes Project 0.00579; gnomAD 0.00636 and 0.00685; TOPMed 0.00687; ESP Exome Variant Server 0.00712; 1000 Genomes Project 30x 0.00734.
gnomAD v4.1: 1,864 of 1,613,686 alleles (0.12%); highest among the groups gnomAD compares: African/African-American, 2.3%; 19 homozygotes.

Submissions (9):

Labcorp Genetics (formerly Invitae), Labcorp
Classification: Benign for Left ventricular noncompaction 8. Last evaluated: 2026-02-01. Review status: criteria provided, single submitter. Criteria: Invitae Variant Classification Sherloc (09022015). Collection method: clinical testing. Allele origin: germline.

ARUP Laboratories, Molecular Genetics and Genomics, ARUP Laboratories
Classification: Benign. Last evaluated: 2025-07-01. Review status: criteria provided, single submitter. Criteria: ARUP Molecular Germline Variant Investigation Process 2024. Collection method: clinical testing. Allele origin: germline.

Blueprint Genetics
Classification: Likely benign. Last evaluated: 2024-11-13. Review status: criteria provided, single submitter. Criteria: ACMG Guidelines, 2015. Collection method: clinical testing. Allele origin: germline.

Women's Health and Genetics/Laboratory Corporation of America, LabCorp
Classification: Benign. Last evaluated: 2023-08-19. Review status: criteria provided, single submitter. Criteria: LabCorp Variant Classification Summary - May 2015. Collection method: clinical testing. Allele origin: germline.

Mayo Clinic Laboratories, Mayo Clinic
Classification: Benign. Last evaluated: 2023-04-25. Review status: criteria provided, single submitter. Criteria: ACMG Guidelines, 2015. Collection method: clinical testing. Allele origin: germline. Observed: 10 variant alleles.
Comment: BS1, BS2, BP4, BP7

GeneDx
Classification: Benign. Last evaluated: 2017-02-27. Review status: criteria provided, single submitter. Criteria: GeneDx Variant Classification (06012015). Collection method: clinical testing. Allele origin: germline. Affected: yes.
Comment: This variant is considered likely benign or benign based on one or more of the following criteria: it is a conservative change, it occurs at a poorly conserved position in the protein, it is predicted to be benign by multiple in silico algorithms, and/or has population frequency not consistent with disease.

Laboratory for Molecular Medicine, Mass General Brigham Personalized Medicine
Classification: Benign. Last evaluated: 2014-11-24. Review status: criteria provided, single submitter. Criteria: LMM Criteria. Collection method: clinical testing. Allele origin: germline. Observed: 2 variant alleles.
Comment: Ala697Ala in exon 9 of PRDM16: This variant is not expected to have clinical sig nificance because it does not alter an amino acid residue and is not located wit hin the splice consensus sequence. It has been identified in 2.2% (89/4124) of A frican American chromosomes from a broad population by the NHLBI Exome Sequencin g Project (dbSNP rs35184988).

Clinical Genetics DNA and cytogenetics Diagnostics Lab, Erasmus MC, Erasmus Medical Center
Classification: Benign. Review status: no assertion criteria provided. Collection method: clinical testing. Allele origin: germline. Affected: yes. Study: VKGL Data-share Consensus. Not counted in ClinVar's aggregate classification.

Clinical Genetics, Academic Medical Center
Classification: Benign. Review status: no assertion criteria provided. Collection method: clinical testing. Allele origin: germline. Affected: yes. Study: VKGL Data-share Consensus. Not counted in ClinVar's aggregate classification.

NM_022114.4(PRDM16):c.2091A>T (p.Ala697=)

Gene: PRDM16 (PR/SET domain 16; plus strand). Cytogenetic location: 1p36.32.
Variant type: single nucleotide variant.
Coding change: c.2091A>T on transcript NM_022114.4 (MANE Select); coding-DNA position 2091, A replaced by T.
Protein change: p.Ala697=; no amino-acid change (alanine 697 retained).
Molecular consequence: synonymous variant.
Genome position (GRCh38, 1-based): chr1:3,412,288, A>T. VCF-style: chr1-3412288-A-T. GRCh37 (hg19) VCF-style: chr1-3328852-A-T.
Other names: p.Ala697=; c.2091A>T, p.Ala697= (NM_199454.3).
Identifiers: ClinVar variation 227028 (VCV000227028.23), dbSNP rs35184988, ClinGen allele CA544380.